The following is an entry in ClinVar:

ClinVar aggregate classification (germline): Pathogenic/Likely pathogenic. Review status: criteria provided, multiple submitters, no conflicts (2 of 4 stars). 2 submissions from 2 submitters: Pathogenic (1); Likely pathogenic (1). Last evaluated 2025-10-16.

Conditions:
Hereditary cancer-predisposing syndrome. Also called: Tumor predisposition; Hereditary neoplastic syndrome; Neoplastic Syndromes, Hereditary; Hereditary Cancer Syndrome. Identifiers: Orphanet 140162, MedGen C0027672, MeSH D009386, MONDO:0015356.
Familial adenomatous polyposis 1 (FAP1). Also called: POLYPOSIS, ADENOMATOUS INTESTINAL; FAMILIAL ADENOMATOUS POLYPOSIS 1, ATTENUATED. Identifiers: MedGen C2713442, MONDO:0021056, OMIM 175100. Disease mechanism: loss of function.

Submissions (2):

Ambry Genetics
Classification: Likely pathogenic for Hereditary cancer-predisposing syndrome. Last evaluated: 2025-10-16. Review status: criteria provided, single submitter. Criteria: Ambry Variant Classification Scheme 2023. Collection method: clinical testing. Allele origin: germline.
Comment: The p.W2564* variant (also known as c.7692G>A), located in coding exon 15 of the APC gene, results from a G to A substitution at nucleotide position 7692. This changes the amino acid from a tryptophan to a stop codon within coding exon 15. This alteration occurs at the 3' terminus of the gene, is not expected to trigger nonsense-mediated mRNA decay, and impacts the last 10% of the protein. However, premature stop codons are typically deleterious in nature, the impacted region is critical for protein function, and a significant portion of the protein is affected (Ambry internal data). This variant is considered to be rare based on population cohorts in the Genome Aggregation Database (gnomAD). Based on the majority of available evidence to date, this variant is likely to be pathogenic.

Myriad Genetics, Inc.
Classification: Pathogenic for Familial adenomatous polyposis 1. Last evaluated: 2023-05-16. Review status: criteria provided, single submitter. Criteria: Myriad Autosomal Dominant, Autosomal Recessive and X-Linked Classification Criteria (2023). Collection method: clinical testing. Allele origin: unknown.
Comment: This variant is considered pathogenic. This variant creates a termination codon and is predicted to result in premature protein truncation.

NM_000038.6(APC):c.7692G>A (p.Trp2564Ter)

Gene: APC (APC regulator of Wnt signaling pathway; plus strand). Cytogenetic location: 5q22.2.
Variant type: single nucleotide variant.
Coding change: c.7692G>A on transcript NM_000038.6 (MANE Select); coding-DNA position 7692, G replaced by A.
Protein change: p.Trp2564Ter; replaces tryptophan 2564 with a stop codon.
Molecular consequence: nonsense. On other transcripts: non-coding transcript variant (2).
Genome position (GRCh38, 1-based): chr5:112,843,286, G>A. VCF-style: chr5-112843286-G-A. GRCh37 (hg19) VCF-style: chr5-112178983-G-A.
Other names: c.7419G>A, p.Trp2473Ter (NM_001354902.2); c.7389G>A, p.Trp2463Ter (NM_001354903.2, NM_001407458.1, NM_001407459.1 and 1 more transcripts); c.6843G>A, p.Trp2281Ter (NM_001354906.2, NM_001407470.1); c.7746G>A, p.Trp2582Ter (NM_001407447.1, NM_001407448.1, NM_001354896.2 and 1 more transcripts); c.7212G>A, p.Trp2404Ter (NM_001354905.2); c.7776G>A, p.Trp2592Ter (NM_001407446.1); c.7314G>A, p.Trp2438Ter (NM_001354904.2); c.7692G>A, p.Trp2564Ter (NM_001127510.3, NM_001354895.2, NM_001407450.1); and 12 more; short protein forms W2180*, W2281*, W2404*, W2435*, W2438*, W2463*, W2473*, W2481*.
Identifiers: ClinVar variation 2583218 (VCV002583218.2), dbSNP rs1766542279, ClinGen allele CA16038037.